The following is an entry in ClinVar:

ClinVar aggregate classification (germline): Uncertain significance (1 of 4 stars; one submission).

Conditions:
Cowden syndrome 6 (CWS6). Identifiers: Orphanet 201, MedGen C3554519, MONDO:0014048, OMIM 615109.

Allele frequency attached by ClinVar (database versions not stated): ExAC 0.00001; gnomAD 0.00002 and 0.00003; gnomAD exomes 0.00002; TOPMed 0.00003.
gnomAD v4.1: 37 of 1,612,954 alleles (0.0023%); highest among the groups gnomAD compares: South Asian, 0.0033%; no homozygotes.

Submission:

Labcorp Genetics (formerly Invitae), Labcorp
Classification: Uncertain significance for Cowden syndrome 6. Last evaluated: 2025-10-01. Review status: criteria provided, single submitter. Criteria: Invitae Variant Classification Sherloc (09022015). Collection method: clinical testing. Allele origin: germline.
Comment: This sequence change replaces arginine, which is basic and polar, with tryptophan, which is neutral and slightly polar, at codon 67 of the AKT1 protein (p.Arg67Trp). This variant is present in population databases (rs762559261, gnomAD 0.005%). This variant has not been reported in the literature in individuals affected with AKT1-related conditions. ClinVar contains an entry for this variant (Variation ID: 850239). An algorithm developed to predict the effect of missense changes on protein structure and function (PolyPhen-2) suggests that this variant is likely to be disruptive. In summary, the available evidence is currently insufficient to determine the role of this variant in disease. Therefore, it has been classified as a Variant of Uncertain Significance.

NM_001382430.1(AKT1):c.199C>T (p.Arg67Trp)

Gene: AKT1 (AKT serine/threonine kinase 1; minus strand). Cytogenetic location: 14q32.33.
Variant type: single nucleotide variant.
Coding change: c.199C>T on transcript NM_001382430.1 (MANE Select); coding-DNA position 199, C replaced by T.
Protein change: p.Arg67Trp; replaces arginine 67 with tryptophan.
Molecular consequence: missense variant.
Genome position (GRCh38, 1-based): chr14:104,776,747, G>A on the plus strand (C>T on the coding strand, the complement: AKT1 is on the minus strand). VCF-style: chr14-104776747-G-A. GRCh37 (hg19) VCF-style: chr14-105243084-G-A.
Other names: c.199C>T, p.Arg67Trp (NM_001014431.2, NM_001014432.2, NM_001382431.1 and 3 more transcripts); short protein forms R67W.
Identifiers: ClinVar variation 850239 (VCV000850239.7), dbSNP rs762559261, ClinGen allele CA7374857.